The following is an entry in ClinVar:

ClinVar aggregate classification (germline): Conflicting classifications of pathogenicity. Review status: criteria provided, conflicting classifications (1 of 4 stars). 9 submissions from 9 submitters: Uncertain significance (8); Likely benign (1). Last evaluated 2026-09-15.

Conditions:
KIF1A-related disorder. Also called: KIF1A-related disorders; KIF1A-related condition.
Neuropathy, hereditary sensory, type 2C. Also called: Hereditary sensory and autonomic neuropathy type IIC; KIF1A-Related HSAN2 (HSAN2C). Identifiers: Orphanet 970, MedGen C3280168, MONDO:0013634, OMIM 614213.
Hereditary spastic paraplegia 30. Identifiers: Orphanet 101010, MedGen C5235139, MONDO:0012476.
Neuropathy, hereditary sensory and autonomic, type 2A (HSAN2A). Also called: HSAN IIA; ACROOSTEOLYSIS, GIACCAI TYPE; ACROOSTEOLYSIS, NEUROGENIC; MORVAN DISEASE; NEUROPATHY, CONGENITAL SENSORY; NEUROPATHY, HEREDITARY SENSORY RADICULAR, AUTOSOMAL RECESSIVE. Identifiers: Orphanet 970, MedGen C2752089, MONDO:0024309, OMIM 201300.
Intellectual disability, autosomal dominant 9 (NESCAVS). Also called: KIF1A-Related Neurodevelopmental Disorder; NESCAV SYNDROME. Identifiers: Orphanet 662367, MedGen C5393830, MONDO:0013656, OMIM 614255.
Inborn genetic diseases. Identifiers: MedGen C0950123, MeSH D030342.

Allele frequency attached by ClinVar (database versions not stated): ESP Exome Variant Server 0.00008; gnomAD exomes 0.00012 and 0.00021; 1000 Genomes Project 0.00020; 1000 Genomes Project 30x 0.00031; ExAC 0.00052; gnomAD 0.00013 and 0.00015; TOPMed 0.00015.
gnomAD v4.1: 196 of 1,593,606 alleles (0.012%); highest among the groups gnomAD compares: East Asian, 0.038%; 1 homozygote.

Submissions (9):

PreventionGenetics, part of Exact Sciences
Classification: Uncertain significance for KIF1A-related condition. Last evaluated: 2026-09-15. Review status: criteria provided, single submitter. Criteria: ACMG Guidelines, 2015. Collection method: clinical testing. Allele origin: germline.
Comment: The KIF1A c.3680C>T variant is predicted to result in the amino acid substitution p.Pro1227Leu. To our knowledge, this variant has not been reported in the literature in individuals with KIF1A-related disorders. This variant is reported in 0.10% of alleles in individuals of Ashkenazi Jewish descent in gnomAD. Although we suspect that this variant may be benign, at this time, the clinical significance of this variant is uncertain due to the absence of conclusive functional and genetic evidence.

Labcorp Genetics (formerly Invitae), Labcorp
Classification: Likely benign for Hereditary spastic paraplegia 30; Neuropathy, hereditary sensory, type 2C; Intellectual disability, autosomal dominant 9. Last evaluated: 2025-12-22. Review status: criteria provided, single submitter. Criteria: Invitae Variant Classification Sherloc (09022015). Collection method: clinical testing. Allele origin: germline.

GeneDx
Classification: Uncertain significance. Last evaluated: 2025-01-07. Review status: criteria provided, single submitter. Criteria: GeneDx Variant Classification Process June 2021. Collection method: clinical testing. Allele origin: germline. Affected: yes.
Comment: In silico analysis indicates that this missense variant does not alter protein structure/function; Has not been previously published as pathogenic or benign to our knowledge

Blueprint Genetics
Classification: Uncertain significance. Last evaluated: 2024-08-06. Review status: criteria provided, single submitter. Criteria: ACMG Guidelines, 2015. Collection method: clinical testing. Allele origin: germline.

Athena Diagnostics
Classification: Uncertain significance. Last evaluated: 2021-11-03. Review status: criteria provided, single submitter. Criteria: Athena Diagnostics Criteria. Collection method: clinical testing. Allele origin: unknown.

Ambry Genetics
Classification: Uncertain significance for Inborn genetic diseases. Last evaluated: 2020-06-22. Review status: criteria provided, single submitter. Criteria: Ambry Variant Classification Scheme 2023. Collection method: clinical testing. Allele origin: germline.
Comment: The p.P1227L variant (also known as c.3680C>T), located in coding exon 34 of the KIF1A gene, results from a C to T substitution at nucleotide position 3680. The proline at codon 1227 is replaced by leucine, an amino acid with similar properties. This amino acid position is not well conserved in available vertebrate species. In addition, this alteration is predicted to be tolerated by in silico analysis. Since supporting evidence is limited at this time, the clinical significance of this alteration remains unclear.

ARUP Laboratories, Molecular Genetics and Genomics, ARUP Laboratories
Classification: Uncertain significance. Last evaluated: 2019-07-25. Review status: criteria provided, single submitter. Criteria: ARUP Molecular Germline Variant Investigation Process. Collection method: clinical testing. Allele origin: germline.
Comment: The KIF1A c.3377C>T; p.Pro1126Leu variant (rs374244985), to our knowledge, is not reported in the medical literature but is reported as uncertain in ClinVar (Variation ID: 447653). This variant is listed in the Genome Aggregation Database (gnomAD) with an overall population frequency of 0.1 percent in the Ashkenazi Jewish population (identified on 49 out of 249,768 chromosomes). The proline at position 1126 is weakly conserved and computational analyses of the effects of the p.Pro1126Leu variant on protein structure and function is neutral (SIFT: tolerated, PolyPhen-2: benign). Overall, there is not enough evidence to classify the p.Pro1126Leu variant with certainty.

Fulgent Genetics
Classification: Uncertain significance for Neuropathy, hereditary sensory and autonomic, type 2A; Spastic paraplegia 30A, autosomal dominant; Neuropathy, hereditary sensory, type 2C; Intellectual disability, autosomal dominant 9. Last evaluated: 2018-10-31. Review status: criteria provided, single submitter. Criteria: ACMG Guidelines, 2015. Collection method: clinical testing. Allele origin: unknown.

Illumina Laboratory Services, Illumina
Classification: Uncertain significance for Spastic paraplegia 30A, autosomal dominant. Last evaluated: 2018-01-13. Review status: criteria provided, single submitter. Criteria: ICSL Variant Classification Criteria 13 December 2019. Collection method: clinical testing. Allele origin: germline.

NM_001244008.2(KIF1A):c.3680C>T (p.Pro1227Leu)

Gene: KIF1A (kinesin family member 1A; minus strand). Cytogenetic location: 2q37.3.
Variant type: single nucleotide variant.
Coding change: c.3680C>T on transcript NM_001244008.2 (MANE Select); coding-DNA position 3680, C replaced by T.
Protein change: p.Pro1227Leu; replaces proline 1227 with leucine.
Molecular consequence: missense variant.
Genome position (GRCh38, 1-based): chr2:240,741,338, G>A on the plus strand (C>T on the coding strand, the complement: KIF1A is on the minus strand). VCF-style: chr2-240741338-G-A. GRCh37 (hg19) VCF-style: chr2-241680755-G-A.
Other names: c.3479C>T, p.Pro1160Leu (NM_001379635.1, NM_001379646.1, NM_001330290.2 and 1 more transcripts); c.3377C>T, p.Pro1126Leu (NM_001379636.1, NM_001379639.1, NM_001379641.1 and 5 more transcripts); c.3452C>T, p.Pro1151Leu (NM_001379637.1, NM_001379648.1); c.3404C>T, p.Pro1135Leu (NM_001379638.1, NM_001320705.2, NM_001330289.2); c.3374C>T, p.Pro1125Leu (NM_001379640.1); c.3653C>T, p.Pro1218Leu (NM_001379642.1, NM_001379645.1, NM_001379633.1); c.3755C>T, p.Pro1252Leu (NM_001379631.1); c.3629C>T, p.Pro1210Leu (NM_001379632.1); short protein forms P1126L, P1227L, P1160L, P1135L, P1125L, P1151L, P1210L, P1218L.
Identifiers: ClinVar variation 447653 (VCV000447653.29), dbSNP rs374244985, ClinGen allele CA2207702.